The following is an entry in ClinVar:

NM_001377.3(DYNC2H1):c.1007C>T (p.Ala336Val)

Gene: DYNC2H1 (dynein cytoplasmic 2 heavy chain 1; plus strand). Cytogenetic location: 11q22.3.
Variant type: single nucleotide variant.
Coding change: c.1007C>T on transcript NM_001377.3 (MANE Select); coding-DNA position 1007, C replaced by T.
Protein change: p.Ala336Val; replaces alanine 336 with valine.
Molecular consequence: missense variant.
Genome position (GRCh38, 1-based): chr11:103,120,454, C>T. VCF-style: chr11-103120454-C-T. GRCh37 (hg19) VCF-style: chr11-102991183-C-T.
Other names: c.1007C>T, p.Ala336Val (NM_001080463.2); short protein forms A336V.
Identifiers: ClinVar variation 302007 (VCV000302007.31), dbSNP rs182506343, ClinGen allele CA6252667.

ClinVar aggregate classification (germline): Conflicting classifications of pathogenicity. Review status: criteria provided, conflicting classifications (1 of 4 stars). 7 submissions from 7 submitters: Uncertain significance (3); Likely benign (3). 1 of the submissions does not count toward it. Last evaluated 2026-01-25.

Conditions:
DYNC2H1-related disorder. Also called: DYNC2H1-related disorders; DYNC2H1-related condition. Identifiers: MedGen CN378770.
Asphyxiating thoracic dystrophy 3. Also called: SHORT-RIB THORACIC DYSPLASIA 3 WITH OR WITHOUT POLYDACTYLY; POLYDACTYLY WITH NEONATAL CHONDRODYSTROPHY, TYPE I; SHORT-RIB THORACIC DYSPLASIA 3/6 WITH POLYDACTYLY, DIGENIC; Short rib polydactyly syndrome 2B; Saldino-Noonan Syndrome. Identifiers: Orphanet 474, Orphanet 93269, Orphanet 93270, Orphanet 93271, MedGen C0036069, MONDO:0013127, OMIM 613091.
Inborn genetic diseases. Identifiers: MedGen C0950123, MeSH D030342.
Jeune thoracic dystrophy. Also called: Short-rib thoracic dysplasia; Infantile thoracic dystrophy; Thoracic pelvic phalangeal dystrophy; Jeune's syndrome; Chondroectodermal dysplasia-like syndrome; Jeune syndrome. Identifiers: Orphanet 474, MedGen C0265275, MONDO:0018770.
Intellectual disability. Also called: Intellectual functioning disability; Intellectual developmental disorder; intellectual disabilities. Identifiers: MedGen C3714756, MeSH D008607, MONDO:0001071, HP:0001249.

Allele frequency attached by ClinVar (database versions not stated): 1000 Genomes Project 30x 0.00031; 1000 Genomes Project 0.00040; gnomAD 0.00043 and 0.00048; TOPMed 0.00048; gnomAD exomes 0.00052; ExAC 0.00056; ESP Exome Variant Server 0.00111.
gnomAD v4.1: 1,494 of 1,607,596 alleles (0.093%); highest among the groups gnomAD compares: Non-Finnish European, 0.11%; 4 homozygotes.

Submissions (7):

Labcorp Genetics (formerly Invitae), Labcorp
Classification: Likely benign for Jeune thoracic dystrophy. Last evaluated: 2026-01-25. Review status: criteria provided, single submitter. Criteria: Invitae Variant Classification Sherloc (09022015). Collection method: clinical testing. Allele origin: germline.

CeGaT Center for Human Genetics Tuebingen
Classification: Likely benign. Last evaluated: 2025-12-01. Review status: criteria provided, single submitter. Criteria: CeGaT Center For Human Genetics Tuebingen Variant Classification Criteria Version 2. Collection method: clinical testing. Allele origin: germline. Affected: yes. Observed: 1 variant allele.
Comment: DYNC2H1: BP4, BS2

Blueprint Genetics
Classification: Likely benign. Last evaluated: 2024-11-27. Review status: criteria provided, single submitter. Criteria: ACMG Guidelines, 2015. Collection method: clinical testing. Allele origin: germline.

Ambry Genetics
Classification: Uncertain significance for Inborn genetic diseases. Last evaluated: 2023-12-09. Review status: criteria provided, single submitter. Criteria: Ambry Variant Classification Scheme 2023. Collection method: clinical testing. Allele origin: germline.

PreventionGenetics, part of Exact Sciences
Classification: Uncertain significance for DYNC2H1-related condition. Last evaluated: 2023-07-21. Review status: criteria provided, single submitter. Criteria: ACMG Guidelines, 2015. Collection method: clinical testing. Allele origin: germline.
Comment: The DYNC2H1 c.1007C>T variant is predicted to result in the amino acid substitution p.Ala336Val. To our knowledge, this variant has not been reported in the literature. This variant is reported in 0.088% of alleles in individuals of European (Non-Finnish) descent in gnomAD. Although we suspect that this variant may be benign, at this time, the clinical significance of this variant is uncertain due to the absence of conclusive functional and genetic evidence.

Illumina Laboratory Services, Illumina
Classification: Uncertain significance for Asphyxiating thoracic dystrophy 3. Last evaluated: 2018-01-13. Review status: criteria provided, single submitter. Criteria: ICSL Variant Classification Criteria 13 December 2019. Collection method: clinical testing. Allele origin: germline.

Centre de Biologie Pathologie Génétique, Centre Hospitalier Universitaire de Lille
Classification: Uncertain significance for Intellectual disability. Last evaluated: 2019-01-01. Review status: no assertion criteria provided. Collection method: clinical testing. Allele origin: unknown. Affected: yes. Not counted in ClinVar's aggregate classification.